The following is an entry in ClinVar:

NM_018163.3(DNAJC17):c.880A>T (p.Met294Leu)

Gene: DNAJC17 (DnaJ heat shock protein family (Hsp40) member C17; minus strand). Cytogenetic location: 15q15.1.
Variant type: single nucleotide variant.
Coding change: c.880A>T on transcript NM_018163.3 (MANE Select); coding-DNA position 880, A replaced by T.
Protein change: p.Met294Leu; replaces methionine 294 with leucine.
Molecular consequence: missense variant.
Genome position (GRCh38, 1-based): chr15:40,767,975, T>A on the plus strand (A>T on the coding strand, the complement: DNAJC17 is on the minus strand). VCF-style: chr15-40767975-T-A. GRCh37 (hg19) VCF-style: chr15-41060173-T-A.
Other names: short protein forms M294L.
Identifiers: ClinVar variation 4765227 (VCV004765227.1).

ClinVar aggregate classification (germline): Uncertain significance (1 of 4 stars; one submission).

gnomAD v4.1: 10 of 1,611,914 alleles (0.00062%); highest among the groups gnomAD compares: Non-Finnish European, 0.00085%; no homozygotes.

Submission:

Labcorp Genetics (formerly Invitae), Labcorp
Classification: Uncertain significance. Last evaluated: 2026-01-21. Review status: criteria provided, single submitter. Criteria: Invitae Variant Classification Sherloc (09022015). Collection method: clinical testing. Allele origin: germline.
Comment: This sequence change replaces methionine, which is neutral and non-polar, with leucine, which is neutral and non-polar, at codon 294 of the DNAJC17 protein (p.Met294Leu). This variant is present in population databases (rs141234300, gnomAD 0.002%). This variant has not been reported in the literature in individuals affected with DNAJC17-related conditions. An algorithm developed to predict the effect of missense changes on protein structure and function (PolyPhen-2) suggests that this variant is likely to be tolerated. In summary, the available evidence is currently insufficient to determine the role of this variant in disease. Therefore, it has been classified as a Variant of Uncertain Significance.